The following is an entry in ClinVar:

NM_000257.4(MYH7):c.4645-1G>T

Genes: MHRT (myosin heavy chain associated RNA transcript; plus strand), MYH7 (myosin heavy chain 7; minus strand), LOC126861897 (BRD4-independent group 4 enhancer GRCh37_chr14:23884455-23885654; plus strand). Cytogenetic location: 14q11.2.
Variant type: single nucleotide variant.
Coding change: c.4645-1G>T on transcript NM_000257.4 (MANE Select); the canonical splice acceptor site of the intron before coding-DNA position 4645, G replaced by T.
Molecular consequence: splice acceptor variant.
Genome position (GRCh38, 1-based): chr14:23,416,313, C>A on the plus strand (G>T on the coding strand, the complement: MYH7 is on the minus strand). VCF-style: chr14-23416313-C-A. GRCh37 (hg19) VCF-style: chr14-23885522-C-A.
Other names: c.4645-1G>T (NM_001407004.1).
Identifiers: ClinVar variation 3658099 (VCV003658099.2).
Genomic context (GRCh38, chr14:23,416,313, plus strand): 5'-GATCTGGTTGAACTCCAGCTGGGCCCGGAGGATCTTGCCCTCCTCGTGCTCCAGGGAGGC[C>A]TGGGAAGGGGTTGGGGGAGGGGATGCAGGCAGACAGTCAGGGCACAGGGCAGGGTGGGGG-3'

ClinVar aggregate classification (germline): Uncertain significance (1 of 4 stars; one submission).

Conditions:
Hypertrophic cardiomyopathy. Also called: HYPERTROPHIC MYOCARDIOPATHY. Identifiers: Orphanet 217569, MedGen C0007194, MeSH D002312, MONDO:0005045, HP:0001639.

Submission:

Labcorp Genetics (formerly Invitae), Labcorp
Classification: Uncertain significance for Hypertrophic cardiomyopathy. Last evaluated: 2024-08-19. Review status: criteria provided, single submitter. Criteria: Invitae Variant Classification Sherloc (09022015). Collection method: clinical testing. Allele origin: germline.
Comment: This sequence change affects an acceptor splice site in intron 33 of the MYH7 gene. It is expected to disrupt RNA splicing. Variants that disrupt the donor or acceptor splice site typically lead to a loss of protein function (PMID: 16199547), however the current clinical and genetic evidence is not sufficient to establish whether loss-of-function variants in MYH7 cause disease. This variant is not present in population databases (gnomAD no frequency). Disruption of this splice site has been observed in individual(s) with MYH7-related conditions (Invitae). Algorithms developed to predict the effect of sequence changes on RNA splicing suggest that this variant may disrupt the consensus splice site. In summary, the available evidence is currently insufficient to determine the role of this variant in disease. Therefore, it has been classified as a Variant of Uncertain Significance.

Literature cited by the submitters: PubMed 16199547.